The following is an entry in ClinVar:

NM_022081.6(HPS4):c.1368del (p.Arg457fs)

Gene: HPS4 (HPS4 biogenesis of lysosomal organelles complex 3 subunit 2; minus strand). Cytogenetic location: 22q12.1.
Variant type: Deletion.
Coding change: c.1368del on transcript NM_022081.6 (MANE Select); coding-DNA position 1368, one base deleted (C; older notation c.1368delC).
Protein change: p.Arg457fs; shifts the reading frame from arginine 457.
Molecular consequence: frameshift variant. On other transcripts: non-coding transcript variant (8).
Genome position (GRCh38, 1-based): chr22:26,464,262, G deleted on the plus strand (C on the coding strand, the reverse complement: HPS4 is on the minus strand); the first of 3 consecutive G bases (chr22:26,464,262-26,464,264); deleting any one gives the same sequence. VCF-style (leftmost placement, unchanged base first): chr22-26464261-TG-T. GRCh37 (hg19) VCF-style: chr22-26860227-TG-T.
Other names: c.1368del, p.Arg457fs (NM_001349903.2, NM_001349904.2, NM_001349905.1 and 5 more transcripts); c.1353del, p.Arg452fs (NM_152841.2); c.1422del, p.Arg475fs (NM_001349900.2, NM_001349901.1); short protein forms R452fs, R457fs, R475fs.
Identifiers: ClinVar variation 3640336 (VCV003640336.2).

ClinVar aggregate classification (germline): Pathogenic (1 of 4 stars; one submission).

Submission:

Labcorp Genetics (formerly Invitae), Labcorp
Classification: Pathogenic. Last evaluated: 2024-02-12. Review status: criteria provided, single submitter. Criteria: Invitae Variant Classification Sherloc (09022015). Collection method: clinical testing. Allele origin: germline.
Comment: This sequence change creates a premature translational stop signal (p.Arg457Glufs*18) in the HPS4 gene. It is expected to result in an absent or disrupted protein product. Loss-of-function variants in HPS4 are known to be pathogenic (PMID: 12664304). This variant is not present in population databases (gnomAD no frequency). This variant has not been reported in the literature in individuals affected with HPS4-related conditions. For these reasons, this variant has been classified as Pathogenic.

Literature cited by the submitters: PubMed 12664304.